The following is an entry in ClinVar:

NM_000143.4(FH):c.827G>C (p.Gly276Ala)

Gene: FH (fumarate hydratase; minus strand). Cytogenetic location: 1q43.
Variant type: single nucleotide variant.
Coding change: c.827G>C on transcript NM_000143.4 (MANE Select); coding-DNA position 827, G replaced by C.
Protein change: p.Gly276Ala; replaces glycine 276 with alanine.
Molecular consequence: missense variant.
Genome position (GRCh38, 1-based): chr1:241,506,080, C>G on the plus strand (G>C on the coding strand, the complement: FH is on the minus strand). VCF-style: chr1-241506080-C-G. GRCh37 (hg19) VCF-style: chr1-241669380-C-G.
Other names: short protein forms G276A.
Identifiers: ClinVar variation 4745922 (VCV004745922.1).
Genomic context (GRCh38, chr1:241,506,080, plus strand): 5'-TTTGCAGCAACCTTTTCTGCAAAGCCAATTCTAGTATTTAAACCTGTACCAACAGCAGTG[C>G]CTCCAGCTGCGAGCTCATAGATTCTTGGCATGGCAGCTTTTATTCTTGTCATTGCATATT-3'
Protein context (NP_000134.2, residues 266-286): MPRIYELAAG[Gly276Ala]TAVGTGLNTR

ClinVar aggregate classification (germline): Uncertain significance (1 of 4 stars; one submission).

Submission:

Labcorp Genetics (formerly Invitae), Labcorp
Classification: Uncertain significance. Last evaluated: 2025-05-04. Review status: criteria provided, single submitter. Criteria: Invitae Variant Classification Sherloc (09022015). Collection method: clinical testing. Allele origin: germline.
Comment: This sequence change replaces glycine, which is neutral and non-polar, with alanine, which is neutral and non-polar, at codon 276 of the FH protein (p.Gly276Ala). This variant is not present in population databases (gnomAD no frequency). This variant has not been reported in the literature in individuals affected with FH-related conditions. Invitae Evidence Modeling of protein sequence and biophysical properties (such as structural, functional, and spatial information, amino acid conservation, physicochemical variation, residue mobility, and thermodynamic stability) indicates that this missense variant is expected to disrupt FH protein function with a positive predictive value of 80%. This variant disrupts the p.Gly276 amino acid residue in FH. Other variant(s) that disrupt this residue have been determined to be pathogenic (internal data). This suggests that this residue is clinically significant, and that variants that disrupt this residue are likely to be disease-causing. In summary, the available evidence is currently insufficient to determine the role of this variant in disease. Therefore, it has been classified as a Variant of Uncertain Significance.